The following is an entry in ClinVar:

ClinVar aggregate classification (germline): Conflicting classifications of pathogenicity. Review status: criteria provided, conflicting classifications (1 of 4 stars). 8 submissions from 8 submitters: Uncertain significance (2); Likely benign (5). 1 of the submissions does not count toward it. Last evaluated 2026-01-07.

Conditions:
Hereditary cancer-predisposing syndrome. Also called: Hereditary Cancer Syndrome; Tumor predisposition; Neoplastic Syndromes, Hereditary; Hereditary neoplastic syndrome. Identifiers: Orphanet 140162, MedGen C0027672, MeSH D009386, MONDO:0015356.
Tuberous sclerosis syndrome (TSC). Also called: Tuberous sclerosis; Tuberous Sclerosis Complex. Identifiers: Orphanet 805, MedGen C0041341, MONDO:0001734.
TSC2-related disorder. Also called: TSC2-related condition; TSC2-Related Disorders.
Tuberous sclerosis 2 (TSC2). Identifiers: Orphanet 805, MedGen C1860707, MONDO:0013199, OMIM 613254.

Allele frequency attached by ClinVar (database versions not stated): gnomAD 0.00001; gnomAD exomes 0.00001; TOPMed 0.00001; ExAC 0.00002.
gnomAD v4.1: 23 of 1,613,254 alleles (0.0014%); highest among the groups gnomAD compares: Non-Finnish European, 0.0018%; no homozygotes.

Submissions (9):

Labcorp Genetics (formerly Invitae), Labcorp
Classification: Likely benign for Tuberous sclerosis 2. Last evaluated: 2026-01-07. Review status: criteria provided, single submitter. Criteria: Invitae Variant Classification Sherloc (09022015). Collection method: clinical testing. Allele origin: germline.

Women's Health and Genetics/Laboratory Corporation of America, LabCorp
Classification: Likely benign. Last evaluated: 2025-10-15. Review status: criteria provided, single submitter. Criteria: LabCorp Variant Classification Summary - May 2015. Collection method: clinical testing. Allele origin: germline.
Comment: Variant summary: TSC2 c.2355+5G>A alters a non-conserved nucleotide located close to a canonical splice site and therefore could affect mRNA splicing, leading to a significantly altered protein sequence. Several computational tools predict a significant impact on normal splicing: Three predict the variant weakens the canonical 5' donor site. Two predict the variant strengthens the cryptic 5' donor site. One predict the variant creates the cryptic 5' donor site. However, these predictions have yet to be confirmed by functional studies. The variant allele was found at a frequency of 8e-06 in 250622 control chromosomes in gnomAD v2. The available data on variant occurrences in the general population are insufficient to allow any conclusion about variant significance. In gnomAD v4, the variant was found as 23 heterozygotes. To our knowledge, no occurrence of c.2355+5G>A in individuals affected with TSC2-related conditions and no experimental evidence demonstrating its impact on protein function have been reported. ClinVar contains an entry for this variant (Variation ID: 514055). Based on the evidence outlined above, the variant was classified as likely benign.

Molecular Pathology, Peter Maccallum Cancer Centre
Classification: Uncertain significance for Tuberous sclerosis 2. Last evaluated: 2025-03-20. Review status: criteria provided, single submitter. Criteria: ACMG Guidelines, 2015. Collection method: clinical testing. Allele origin: germline. Inheritance: Autosomal dominant inheritance.

Color Diagnostics, LLC DBA Color Health
Classification: Uncertain significance for Tuberous sclerosis syndrome. Last evaluated: 2024-01-29. Review status: criteria provided, single submitter. Criteria: ACMG Guidelines, 2015. Collection method: clinical testing. Allele origin: germline.
Comment: This variant causes a G to A nucleotide substitution at the +5 position of intron 21 of the TSC2 gene. Splice site prediction tools suggest that this variant may impact RNA splicing. To our knowledge, RNA studies have not been reported for this variant. This variant has not been reported in individuals affected with TSC2-related disorders in the literature. This variant has been identified in 3/282032 chromosomes in the general population by the Genome Aggregation Database (gnomAD). The available evidence is insufficient to determine the role of this variant in disease conclusively. Therefore, this variant is classified as a Variant of Uncertain Significance.

Ambry Genetics
Classification: Likely benign for Hereditary cancer-predisposing syndrome. Last evaluated: 2024-01-23. Review status: criteria provided, single submitter. Criteria: Ambry Variant Classification Scheme 2023. Collection method: clinical testing. Allele origin: germline.

Genome-Nilou Lab
Classification: Likely benign for Tuberous sclerosis 2. Last evaluated: 2021-11-07. Review status: criteria provided, single submitter. Criteria: ACMG Guidelines, 2015. Collection method: clinical testing. Allele origin: germline. Affected: no.

GeneDx
Classification: Likely benign. Last evaluated: 2017-12-14. Review status: criteria provided, single submitter. Criteria: GeneDx Variant Classification (06012015). Collection method: clinical testing. Allele origin: germline. Affected: yes.
Comment: This variant is considered likely benign or benign based on one or more of the following criteria: it is a conservative change, it occurs at a poorly conserved position in the protein, it is predicted to be benign by multiple in silico algorithms, and/or has population frequency not consistent with disease.

PreventionGenetics, part of Exact Sciences
Classification: Likely benign for TSC2-related condition. Last evaluated: 2022-06-01. Review status: no assertion criteria provided. Collection method: clinical testing. Allele origin: germline. Not counted in ClinVar's aggregate classification.
Comment: This variant is classified as likely benign based on ACMG/AMP sequence variant interpretation guidelines (Richards et al. 2015 PMID: 25741868, with internal and published modifications).

Dr. Peter K. Rogan Lab, Western University
No classification provided (evidence only). Condition: Colorectal cancer. Review status: no classification provided. Collection method: in vitro. Allele origin: not applicable. Functional consequence: retained intron. Not counted in ClinVar's aggregate classification.

NM_000548.5(TSC2):c.2355+5G>A

Gene: TSC2 (TSC complex subunit 2; plus strand). Cytogenetic location: 16p13.3.
Variant type: single nucleotide variant.
Coding change: c.2355+5G>A on transcript NM_000548.5 (MANE Select); 5 bases into the intron after coding-DNA position 2355, G replaced by A.
Molecular consequence: intron variant.
Genome position (GRCh38, 1-based): chr16:2,072,988, G>A. VCF-style: chr16-2072988-G-A. GRCh37 (hg19) VCF-style: chr16-2122989-G-A.
Other names: c.2355+5G>A (NM_001114382.3, NM_021055.3, NM_001370405.1 and 4 more transcripts); c.2244+5G>A (NM_001318827.2); c.1755+5G>A (NM_001318831.2); c.2208+5G>A (NM_001318829.2); c.2388+5G>A (NM_001318832.2).
Identifiers: ClinVar variation 514055 (VCV000514055.24), dbSNP rs756995937, ClinGen allele CA038638.